The following is an entry in ClinVar:

NM_000512.5(GALNS):c.100CTGCTC[1] (p.Leu36_Leu37del)

Genes: TRAPPC2L (trafficking protein particle complex subunit 2L; plus strand), GALNS (galactosamine (N-acetyl)-6-sulfatase; minus strand), LOC130059762 (ATAC-STARR-seq lymphoblastoid silent region 7883; plus strand). Cytogenetic location: 16q24.3.
Variant type: Microsatellite.
Coding change: c.100CTGCTC[1] on transcript NM_000512.5 (MANE Select); one copy of the 6-base unit CTGCTC starting at c.100; the reference has two copies in a row; one copy, 6 bases deleted; also written c.106_111del.
Protein change: p.Leu36_Leu37del.
Molecular consequence: inframe deletion. On other transcripts: 5 prime UTR variant (2).
Genome position (GRCh38, 1-based): chr16:88,856,767-88,856,772, GAGCAG deleted on the plus strand (CTGCTC on the coding strand, the reverse complement: GALNS is on the minus strand); deleting any 6 consecutive bases within chr16:88,856,767-88,856,780 gives the same sequence; the position shown is the placement nearest the transcript's 3' end. VCF-style (leftmost placement, unchanged base first): chr16-88856766-TGAGCAG-T. GRCh37 (hg19) VCF-style: chr16-88923174-TGAGCAG-T.
Other names: c.-332CTGCTC[1] (NM_001323543.2); c.-53CTGCTC[1] (NM_001323544.2); c.106_111del (NM_000512.5); c.106_111delCTGCTC (NM_000512.4).
Identifiers: ClinVar variation 193104 (VCV000193104.14), dbSNP rs794726887, ClinGen allele CA274904.

ClinVar aggregate classification (germline): Conflicting classifications of pathogenicity. Review status: criteria provided, conflicting classifications (1 of 4 stars). 5 submissions from 5 submitters: Pathogenic (3); Likely pathogenic (1); Uncertain significance (1). Last evaluated 2024-03-05.

Conditions:
Morquio syndrome. Also called: Mucopolysaccharidosis, Type IV; MPS IV; Mucopolysaccharidosis type 4; Eccentrochondrodysplasia. Identifiers: Orphanet 582, MedGen C0026707, MONDO:0018938.
Mucopolysaccharidosis, MPS-IV-A (MPS4A). Also called: Morquio syndrome A, mild; MORQUIO SYNDROME A; Mucopolysaccharidosis Type IVA; MPS IVA; Mucopolysaccharidosis type IV A; mucopolysaccharidosis type 4A. Identifiers: Orphanet 309297, Orphanet 582, MedGen C0086651, MONDO:0009659, OMIM 253000.

Submissions (5):

Fulgent Genetics
Classification: Pathogenic for Mucopolysaccharidosis, MPS-IV-A. Last evaluated: 2024-03-05. Review status: criteria provided, single submitter. Criteria: ACMG Guidelines, 2015. Collection method: clinical testing. Allele origin: germline.

Labcorp Genetics (formerly Invitae), Labcorp
Classification: Pathogenic for Mucopolysaccharidosis, MPS-IV-A. Last evaluated: 2024-01-31. Review status: criteria provided, single submitter. Criteria: Invitae Variant Classification Sherloc (09022015). Collection method: clinical testing. Allele origin: germline.
Comment: This variant, c.106_111del, results in the deletion of 2 amino acid(s) of the GALNS protein (p.Leu36_Leu37del), but otherwise preserves the integrity of the reading frame. This variant is not present in population databases (gnomAD no frequency). This variant has been observed in individuals with mucopolysaccharidosis type IVA (PMID: 11524742, 31200731). ClinVar contains an entry for this variant (Variation ID: 193104). This variant disrupts a region of the GALNS protein in which other variant(s) (p.Leu36Arg) have been determined to be pathogenic (PMID: 24726177, 25252036; Invitae). This suggests that this is a clinically significant region of the protein, and that variants that disrupt it are likely to be disease-causing. For these reasons, this variant has been classified as Pathogenic.

Women's Health and Genetics/Laboratory Corporation of America, LabCorp
Classification: Pathogenic for Morquio syndrome. Last evaluated: 2023-08-09. Review status: criteria provided, single submitter. Criteria: LabCorp Variant Classification Summary - May 2015. Collection method: clinical testing. Allele origin: germline.
Comment: Variant summary: GALNS c.106_111delCTGCTC (p.Leu36_Leu37del) results in an in-frame deletion that is predicted to remove two amino acids from the encoded protein. The variant was absent in 149554 control chromosomes. c.106_111delCTGCTC has been reported in the literature as a compound heterozygous genotype in multiple individuals affected with Mucopolysaccharidosis Type IVA (Morquio Syndrome A)(example, Yang_2001, Hu_2018, Leong_2019). These data indicate that the variant is very likely to be associated with disease. To our knowledge, no experimental evidence demonstrating an impact on protein function has been reported. The following publications have been ascertained in the context of this evaluation (PMID: 36077388, 29095814, 31200731, 20574428, 11524742, 35212421). One submitter has cited clinical-significance assessments for this variant to ClinVar after 2014 and has classified the variant as uncertain significance citing overlapping evidence utilized in the context of this evaluation. Based on the evidence outlined above, the variant was classified as pathogenic.

Laboratory of Diagnosis and Therapy of Lysosomal Disorders, University of Padova
Classification: Uncertain significance for Mucopolysaccharidosis, MPS-IV-A. Last evaluated: 2021-02-01. Review status: criteria provided, single submitter. Criteria: ACMG Guidelines, 2015. Collection method: research. Allele origin: germline. Affected: yes.
Comment: The prevalence of the variant in affected individuals is significantly increased compared with the prevalence in controls (PS4_moderate); absent from gnomAD v2.1.1 (PM2_moderate); protein length changes as a result of in-frame deletions/insertions in a nonrepeat region (PM4_supporting)

Eurofins Ntd Llc (ga)
Classification: Likely pathogenic. Last evaluated: 2014-10-10. Review status: criteria provided, single submitter. Criteria: EGL Classification Definitions 2015. Collection method: clinical testing. Allele origin: germline. Observed: 1 variant allele, 1 heterozygote.

Literature cited by the submitters: PubMed 11524742 (cited by 4 submitters); PubMed 31200731 (cited by 3 submitters); PubMed 24726177 (cited by Labcorp Genetics (formerly Invitae), Labcorp); PubMed 25252036 (cited by Labcorp Genetics (formerly Invitae), Labcorp); PubMed 29095814 (cited by Women's Health and Genetics/Laboratory Corporation of America, LabCorp); PubMed 20574428 (cited by Women's Health and Genetics/Laboratory Corporation of America, LabCorp and Laboratory of Diagnosis and Therapy of Lysosomal Disorders, University of Padova); PubMed 36077388 (cited by Women's Health and Genetics/Laboratory Corporation of America, LabCorp); PubMed 35212421 (cited by Women's Health and Genetics/Laboratory Corporation of America, LabCorp); PubMed 22487817 (cited by Laboratory of Diagnosis and Therapy of Lysosomal Disorders, University of Padova); PubMed 34387910 (cited by Laboratory of Diagnosis and Therapy of Lysosomal Disorders, University of Padova).